The following is an entry in ClinVar:

ClinVar aggregate classification (germline): Pathogenic (1 of 4 stars; one submission).

Conditions:
Hypertrophic cardiomyopathy 12. Identifiers: MedGen C2677491, MONDO:0012804, OMIM 612124.
Dilated cardiomyopathy 1M (CMD1M). Identifiers: Orphanet 154, MedGen C1843808, MONDO:0011840, OMIM 607482.

Submission:

Labcorp Genetics (formerly Invitae), Labcorp
Classification: Pathogenic for Hypertrophic cardiomyopathy 12; Dilated cardiomyopathy 1M. Last evaluated: 2025-12-09. Review status: criteria provided, single submitter. Criteria: Invitae Variant Classification Sherloc (09022015). Collection method: clinical testing. Allele origin: germline.
Comment: This sequence change is expected to alter the c-terminus of the CSRP3 protein (p.Val17Metfs*189). While this is not anticipated to result in nonsense mediated decay, it is expected to disrupt the last 178 amino acid(s) of the CSRP3 protein and extend the protein by 10 additional amino acid residues. This variant is present in population databases (rs776444956, gnomAD 0.0009%). This variant has not been reported in the literature in individuals affected with CSRP3-related conditions. ClinVar contains an entry for this variant (Variation ID: 1009234). This variant disrupts a region of the CSRP3 protein in which other variant(s) (p.Cys150Tyr) have been determined to be pathogenic (PMID: 23396983, 25351510, 33035702). This suggests that this is a clinically significant region of the protein, and that variants that disrupt it are likely to be disease-causing. For these reasons, this variant has been classified as Pathogenic.

Literature cited by the submitters: PubMed 23396983; PubMed 25351510; PubMed 33035702.

NM_003476.5(CSRP3):c.49_55del (p.Val17fs)

Gene: CSRP3 (cysteine and glycine rich protein 3; minus strand). Cytogenetic location: 11p15.1.
Variant type: Deletion.
Coding change: c.49_55del on transcript NM_003476.5 (MANE Select); coding-DNA positions 49 to 55, 7 bases deleted (GTCTACC; older notation c.49_55delGTCTACC).
Protein change: p.Val17fs; shifts the reading frame from valine 17.
Molecular consequence: frameshift variant.
Genome position (GRCh38, 1-based): chr11:19,192,394-19,192,400, GGTAGAC deleted on the plus strand (GTCTACC on the coding strand, the reverse complement: CSRP3 is on the minus strand); deleting any 7 consecutive bases within chr11:19,192,394-19,192,403 gives the same sequence; the c. name uses the placement nearest the transcript's 3' end. VCF-style (leftmost placement, unchanged base first): chr11-19192393-TGGTAGAC-T. GRCh37 (hg19) VCF-style: chr11-19213940-TGGTAGAC-T.
Other names: c.49_55del, p.Val17fs (NM_001369404.1); short protein forms V17fs.
Identifiers: ClinVar variation 1009234 (VCV001009234.6), dbSNP rs776444956, ClinGen allele CA5916677.